The following is an entry in ClinVar:

ClinVar aggregate classification (germline): Benign/Likely benign. Review status: criteria provided, multiple submitters, no conflicts (2 of 4 stars). 8 submissions from 8 submitters: Benign (5); Likely benign (3). Last evaluated 2026-09-01.

Conditions:
Ehlers-Danlos syndrome (EDS). Identifiers: Orphanet 98249, MedGen C0013720, MONDO:0020066.
Ehlers-Danlos syndrome due to tenascin-X deficiency (EDSCLL1). Also called: TNXB-Related Classical-Like Ehlers-Danlos Syndrome; EHLERS-DANLOS SYNDROME, CLASSIC-LIKE; Ehlers-Danlos syndrome, classic-like, 1; TNX DEFICIENCY; EDS DUE TO TNX DEFICIENCY. Identifiers: Orphanet 230839, MedGen C1848029, MONDO:0011670, OMIM 606408.

Allele frequency attached by ClinVar (database versions not stated): 1000 Genomes Project 0.00240; 1000 Genomes Project 30x 0.00265; gnomAD 0.00278 and 0.00292; TOPMed 0.00290; ESP Exome Variant Server 0.00314; gnomAD exomes 0.00331 and 0.00390; ExAC 0.00361.
gnomAD v4.1: 6,088 of 1,612,232 alleles (0.38%); highest among the groups gnomAD compares: South Asian, 0.49%; 24 homozygotes.

Submissions (11):

CeGaT Center for Human Genetics Tuebingen
Classification: Likely benign. Last evaluated: 2026-09-01. Review status: criteria provided, single submitter. Criteria: CeGaT Center For Human Genetics Tuebingen Variant Classification Criteria Version 2. Collection method: clinical testing. Allele origin: germline. Affected: yes. Observed: 25 variant alleles.
Comment: TNXB: BP4, BS2

Women's Health and Genetics/Laboratory Corporation of America, LabCorp
Classification: Benign. Last evaluated: 2026-04-15. Review status: criteria provided, single submitter. Criteria: LabCorp Variant Classification Summary - May 2015. Collection method: clinical testing. Allele origin: germline.
Comment: Variant summary: TNXB c.6544+8T>A alters a nucleotide located at a position not widely known to affect splicing. Consensus agreement among computation tools predict no significant impact on normal splicing. However, these predictions have yet to be confirmed by functional studies. The variant allele was found at a frequency of 0.0033 in 246050 control chromosomes in the gnomAD database, including 3 homozygotes. The observed variant frequency exceeds the estimated maximal expected allele frequency for disease-causing variants in TNXB. c.6544+8T>A has been reported in the literature in at least one individual affected with vesicoureteral reflux (e.g., Gbadegesin_2013), without strong evidence for causality. These report(s) do not provide unequivocal conclusions about association of the variant with Ehlers-Danlos-like syndrome. To our knowledge, no experimental evidence demonstrating an impact on protein function has been reported. ClinVar contains an entry for this variant (Variation ID: 261149). Based on the evidence outlined above, the variant was classified as benign.

Labcorp Genetics (formerly Invitae), Labcorp
Classification: Benign. Last evaluated: 2026-02-04. Review status: criteria provided, single submitter. Criteria: Invitae Variant Classification Sherloc (09022015). Collection method: clinical testing. Allele origin: germline.

Center for Genomics, Ann and Robert H. Lurie Children's Hospital of Chicago
Classification: Benign for Ehlers-Danlos syndrome due to tenascin-X deficiency. Last evaluated: 2025-05-15. Review status: criteria provided, single submitter. Criteria: ACMG Guidelines, 2015. Collection method: clinical testing. Allele origin: germline. Inheritance: Autosomal recessive inheritance.
Comment: BS1, BS2, BP4, BP7

Blueprint Genetics
Classification: Likely benign. Last evaluated: 2024-11-26. Review status: criteria provided, single submitter. Criteria: ACMG Guidelines, 2015. Collection method: clinical testing. Allele origin: germline.

Mayo Clinic Laboratories, Mayo Clinic
Classification: Benign. Last evaluated: 2024-06-12. Review status: criteria provided, single submitter. Criteria: ACMG Guidelines, 2015. Collection method: clinical testing. Allele origin: germline. Observed: 27 variant alleles.
Comment: the same text as in the submission from Center for Genomics, Ann and Robert H. Lurie Children's Hospital of Chicago above.

Genome Diagnostics Laboratory, The Hospital for Sick Children
Classification: Benign for Ehlers-Danlos syndrome. Last evaluated: 2022-02-24. Review status: criteria provided, single submitter. Criteria: ACMG Guidelines, 2015. Collection method: clinical testing. Allele origin: germline.

PreventionGenetics, part of Exact Sciences
Classification: Likely benign. Review status: criteria provided, single submitter. Criteria: ACMG Guidelines, 2015. Collection method: clinical testing. Allele origin: germline.

Dr. Peter K. Rogan Lab, Western University
No classification provided (evidence only). Condition: Lung cancer. Review status: no classification provided. Collection method: in vitro. Allele origin: not applicable. Functional consequence: retained intron. Not counted in ClinVar's aggregate classification.

Dr. Peter K. Rogan Lab, Western University
No classification provided (evidence only). Condition: Lung cancer. Review status: no classification provided. Collection method: in vitro. Allele origin: not applicable. Functional consequence: retained intron. Not counted in ClinVar's aggregate classification.

Dr. Peter K. Rogan Lab, Western University
No classification provided (evidence only). Condition: Ovarian serous cystadenocarcinoma. Review status: no classification provided. Collection method: in vitro. Allele origin: not applicable. Functional consequence: retained intron. Not counted in ClinVar's aggregate classification.

Literature cited by the submitters: PubMed 23620400 (cited by Women's Health and Genetics/Laboratory Corporation of America, LabCorp).

NM_001365276.2(TNXB):c.6544+8T>A

Gene: TNXB (tenascin XB; minus strand). Cytogenetic location: 6p21.33.
Variant type: single nucleotide variant.
Coding change: c.6544+8T>A on transcript NM_001365276.2 (MANE Select); 8 bases into the intron after coding-DNA position 6544, T replaced by A.
Molecular consequence: intron variant.
Genome position (GRCh38, 1-based): chr6:32,067,653, A>T on the plus strand (T>A on the coding strand, the complement: TNXB is on the minus strand). VCF-style: chr6-32067653-A-T. GRCh37 (hg19) VCF-style: chr6-32035430-A-T.
Other names: NC_000006.11:g.32035430A>T; p.?; c.6544+8T>A (NM_019105.8).
Identifiers: ClinVar variation 261149 (VCV000261149.62), dbSNP rs150379644, ClinGen allele CA3734397.